The following is an entry in ClinVar:

ClinVar aggregate classification (germline): Uncertain significance. Review status: criteria provided, multiple submitters, no conflicts (2 of 4 stars). 6 submissions from 6 submitters: Uncertain significance (4). 2 of the submissions do not count toward it. Last evaluated 2023-01-12.

Conditions:
Autosomal recessive limb-girdle muscular dystrophy type 2A (LGMDR1). Also called: Calpainopathy; Muscular dystrophy, limb-girdle, type 2A, Amish; LEYDEN-MOEBIUS MUSCULAR DYSTROPHY; MUSCULAR DYSTROPHY, PELVOFEMORAL; Limb-girdle muscular dystrophy, type 2A. Identifiers: Orphanet 267, MedGen C1869123, MONDO:0009675, OMIM 253600. Disease mechanism: loss of function.
Muscular dystrophy, limb-girdle, autosomal dominant 4. Also called: Calpain-3-related limb-girdle muscular dystrophy D4; MUSCULAR DYSTROPHY, LIMB-GIRDLE, TYPE 1I. Identifiers: Orphanet 565909, MedGen C4748295, MONDO:0029133, OMIM 618129.

Allele frequency attached by ClinVar (database versions not stated): gnomAD exomes 0.00001; TOPMed 0.00001; ExAC 0.00002; ESP Exome Variant Server 0.00008.
gnomAD v4.1: 9 of 1,614,056 alleles (0.00056%); highest among the groups gnomAD compares: Middle Eastern, 0.017%; no homozygotes.

Submissions (6):

Blueprint Genetics
Classification: Uncertain significance. Last evaluated: 2023-01-12. Review status: criteria provided, single submitter. Criteria: ACMG Guidelines, 2015. Collection method: clinical testing. Allele origin: germline.

Labcorp Genetics (formerly Invitae), Labcorp
Classification: Uncertain significance for Autosomal recessive limb-girdle muscular dystrophy type 2A. Last evaluated: 2022-07-19. Review status: criteria provided, single submitter. Criteria: Invitae Variant Classification Sherloc (09022015). Collection method: clinical testing. Allele origin: germline.
Comment: This sequence change replaces leucine, which is neutral and non-polar, with methionine, which is neutral and non-polar, at codon 484 of the CAPN3 protein (p.Leu484Met). This variant is present in population databases (rs144220513, gnomAD 0.002%). This variant has not been reported in the literature in individuals affected with CAPN3-related conditions. ClinVar contains an entry for this variant (Variation ID: 497181). Algorithms developed to predict the effect of missense changes on protein structure and function are either unavailable or do not agree on the potential impact of this missense change (SIFT: "Deleterious"; PolyPhen-2: "Probably Damaging"; Align-GVGD: "Class C0"). In summary, the available evidence is currently insufficient to determine the role of this variant in disease. Therefore, it has been classified as a Variant of Uncertain Significance.

Fulgent Genetics
Classification: Uncertain significance for Autosomal recessive limb-girdle muscular dystrophy type 2A; Muscular dystrophy, limb-girdle, autosomal dominant 4. Last evaluated: 2018-10-31. Review status: criteria provided, single submitter. Criteria: ACMG Guidelines, 2015. Collection method: clinical testing. Allele origin: unknown.

Eurofins Ntd Llc (ga)
Classification: Uncertain significance. Last evaluated: 2016-10-05. Review status: criteria provided, single submitter. Criteria: EGL Classification Definitions 2015. Collection method: clinical testing. Allele origin: germline. Observed: 1 variant allele, 1 heterozygote.

Natera, Inc.
Classification: Uncertain significance for Limb-girdle muscular dystrophy type 2A. Last evaluated: 2020-09-04. Review status: no assertion criteria provided. Collection method: clinical testing. Allele origin: germline. Not counted in ClinVar's aggregate classification.

Counsyl
Classification: Uncertain significance for Autosomal recessive limb-girdle muscular dystrophy type 2A. Last evaluated: 2017-08-03. Review status: no assertion criteria provided. Collection method: clinical testing. Allele origin: unknown. Not counted in ClinVar's aggregate classification.

Literature cited by the submitters: PubMed 15689361 (cited by Counsyl).

NM_000070.3(CAPN3):c.1450C>A (p.Leu484Met)

Gene: CAPN3 (calpain 3; plus strand). Cytogenetic location: 15q15.1.
Variant type: single nucleotide variant.
Coding change: c.1450C>A on transcript NM_000070.3 (MANE Select); coding-DNA position 1450, C replaced by A.
Protein change: p.Leu484Met; replaces leucine 484 with methionine.
Molecular consequence: missense variant.
Genome position (GRCh38, 1-based): chr15:42,401,736, C>A. VCF-style: chr15-42401736-C-A. GRCh37 (hg19) VCF-style: chr15-42693934-C-A.
Other names: c.1450C>A, p.Leu484Met (NM_024344.2); c.1306C>A, p.Leu436Met (NM_173087.2); short protein forms L484M, L436M.
Identifiers: ClinVar variation 497181 (VCV000497181.16), dbSNP rs144220513, ClinGen allele CA7511361.